The following is an entry in ClinVar:

NM_001232.4(CASQ2):c.376G>C (p.Asp126His)

Gene: CASQ2 (calsequestrin 2; minus strand). Cytogenetic location: 1p13.1.
Variant type: single nucleotide variant.
Coding change: c.376G>C on transcript NM_001232.4 (MANE Select); coding-DNA position 376, G replaced by C.
Protein change: p.Asp126His; replaces aspartic acid 126 with histidine.
Molecular consequence: missense variant.
Genome position (GRCh38, 1-based): chr1:115,740,772, C>G on the plus strand (G>C on the coding strand, the complement: CASQ2 is on the minus strand). VCF-style: chr1-115740772-C-G. GRCh37 (hg19) VCF-style: chr1-116283393-C-G.
Other names: p.D126H:GAT>CAT; short protein forms D126H.
Identifiers: ClinVar variation 162818 (VCV000162818.17), dbSNP rs727502908, ClinGen allele CA175371.

ClinVar aggregate classification (germline): Uncertain significance. Review status: criteria provided, multiple submitters, no conflicts (2 of 4 stars). 11 submissions from 11 submitters: Uncertain significance (11). Last evaluated 2025-09-24.

Conditions:
Cardiovascular phenotype. Identifiers: MedGen CN230736.
Catecholaminergic polymorphic ventricular tachycardia 2. Also called: CASQ2-Related Catecholaminergic Polymorphic Ventricular Tachycardia; VENTRICULAR TACHYCARDIA, STRESS-INDUCED POLYMORPHIC 2. Identifiers: Orphanet 3286, MedGen C2677794, MONDO:0012762, OMIM 611938.
Catecholaminergic polymorphic ventricular tachycardia 1. Also called: RYR2-Related Catecholaminergic Polymorphic Ventricular Tachycardia; VENTRICULAR TACHYCARDIA, STRESS-INDUCED POLYMORPHIC 1; VENTRICULAR TACHYCARDIA, CATECHOLAMINERGIC POLYMORPHIC, 1, WITH OR WITHOUT ATRIAL DYSFUNCTION AND/OR DILATED CARDIOMYOPATHY. Identifiers: Orphanet 3286, MedGen C1631597, MONDO:0011484, OMIM 604772.
Cardiomyopathy (CMYO). Also called: Cardiomyopathies. Identifiers: Orphanet 167848, MedGen C0878544, MONDO:0004994, HP:0001638. Inheritance: Various modes of inheritance.

Allele frequency attached by ClinVar (database versions not stated): ExAC 0.00001; gnomAD exomes 0.00002; TOPMed 0.00002; gnomAD 0.00003 and 0.00004.
gnomAD v4.1: 34 of 1,613,720 alleles (0.0021%); highest among the groups gnomAD compares: Non-Finnish European, 0.0028%; no homozygotes.

Submissions (11):

Women's Health and Genetics/Laboratory Corporation of America, LabCorp
Classification: Uncertain significance. Last evaluated: 2025-09-24. Review status: criteria provided, single submitter. Criteria: LabCorp Variant Classification Summary - May 2015. Collection method: clinical testing. Allele origin: germline.
Comment: Variant summary: CASQ2 c.376G>C (p.Asp126His) results in a non-conservative amino acid change in the encoded protein sequence. Algorithms developed to predict the effect of missense changes on protein structure and function all suggest that this variant is likely to be disruptive. The variant allele was found at a frequency of 2e-05 in 251348 control chromosomes. The available data on variant occurrences in the general population are insufficient to allow any conclusion about variant significance. To our knowledge, no occurrence of c.376G>C in individuals affected with CASQ2-related conditions and no experimental evidence demonstrating its impact on protein function have been reported. ClinVar contains an entry for this variant (Variation ID: 162818). Based on the evidence outlined above, the variant was classified as uncertain significance.

Ambry Genetics
Classification: Uncertain significance for Cardiovascular phenotype. Last evaluated: 2024-11-17. Review status: criteria provided, single submitter. Criteria: Ambry Variant Classification Scheme 2023. Collection method: clinical testing. Allele origin: germline.
Comment: The p.D126H variant (also known as c.376G>C), located in coding exon 3 of the CASQ2 gene, results from a G to C substitution at nucleotide position 376. The aspartic acid at codon 126 is replaced by histidine, an amino acid with similar properties. This amino acid position is highly conserved in available vertebrate species. In addition, the in silico prediction for this alteration is inconclusive. Since supporting evidence is limited at this time, the clinical significance of this alteration remains unclear.

Blueprint Genetics
Classification: Uncertain significance. Last evaluated: 2023-06-01. Review status: criteria provided, single submitter. Criteria: ACMG Guidelines, 2015. Collection method: clinical testing. Allele origin: germline.

Genome-Nilou Lab
Classification: Uncertain significance for Catecholaminergic polymorphic ventricular tachycardia 2. Last evaluated: 2023-04-11. Review status: criteria provided, single submitter. Criteria: ACMG Guidelines, 2015. Collection method: clinical testing. Allele origin: germline. Affected: no.

Labcorp Genetics (formerly Invitae), Labcorp
Classification: Uncertain significance for Catecholaminergic polymorphic ventricular tachycardia 1. Last evaluated: 2022-10-19. Review status: criteria provided, single submitter. Criteria: Invitae Variant Classification Sherloc (09022015). Collection method: clinical testing. Allele origin: germline.
Comment: This sequence change replaces aspartic acid, which is acidic and polar, with histidine, which is basic and polar, at codon 126 of the CASQ2 protein (p.Asp126His). This variant is present in population databases (rs727502908, gnomAD 0.004%). This variant has not been reported in the literature in individuals affected with CASQ2-related conditions. ClinVar contains an entry for this variant (Variation ID: 162818). Advanced modeling of protein sequence and biophysical properties (such as structural, functional, and spatial information, amino acid conservation, physicochemical variation, residue mobility, and thermodynamic stability) performed at Invitae indicates that this missense variant is not expected to disrupt CASQ2 protein function. In summary, the available evidence is currently insufficient to determine the role of this variant in disease. Therefore, it has been classified as a Variant of Uncertain Significance.

GeneDx
Classification: Uncertain significance. Last evaluated: 2018-02-08. Review status: criteria provided, single submitter. Criteria: GeneDx Variant Classification (06012015). Collection method: clinical testing. Allele origin: germline. Affected: yes.
Comment: The D126H variant of uncertain significance in the CASQ2 gene has not been published as pathogenic or been reported as benign to our knowledge. This variant has been identified in other unrelated individuals referred for arrhythmia genetic testing at GeneDx. The D126H variant is observed in 5/126,646 alleles from individuals of European (non-Finnish) ancestry in large population cohorts (Lek et al., 2016). The D126H variant is a non-conservative amino acid substitution, which is likely to impact secondary protein structure as these residues differ in polarity, charge, size and/or other properties. In addition, in-silico analyses, including protein predictors and evolutionary conservation, support a deleterious effect. However, this variant lacks observation in a significant number of affected individuals, segregation data, and functional evidence, which would further clarify its pathogenicity.

CHEO Genetics Diagnostic Laboratory, Children's Hospital of Eastern Ontario
Classification: Uncertain significance for Cardiomyopathy. Last evaluated: 2017-08-08. Review status: criteria provided, single submitter. Criteria: ACMG Guidelines, 2015. Collection method: clinical testing. Allele origin: germline. Study: Canadian Open Genetics Repository.

Fulgent Genetics
Classification: Uncertain significance for Catecholaminergic polymorphic ventricular tachycardia 1; Catecholaminergic polymorphic ventricular tachycardia 2. Last evaluated: 2017-05-23. Review status: criteria provided, single submitter. Criteria: ACMG Guidelines, 2015. Collection method: clinical testing. Allele origin: unknown.

MVZ Martinsried, Medicover Genetics
Classification: Uncertain significance for Catecholaminergic polymorphic ventricular tachycardia 2. Last evaluated: 2016-12-29. Review status: criteria provided, single submitter. Criteria: ACMG Guidelines, 2015. Collection method: clinical testing. Allele origin: unknown. Affected: yes.

Molecular Diagnostic Laboratory for Inherited Cardiovascular Disease, Montreal Heart Institute
Classification: Uncertain significance. Last evaluated: 2016-07-29. Review status: criteria provided, single submitter. Criteria: ACMG Guidelines, 2015. Collection method: clinical testing. Allele origin: germline. Affected: yes.

Laboratory for Molecular Medicine, Mass General Brigham Personalized Medicine
Classification: Uncertain significance. Last evaluated: 2014-12-31. Review status: criteria provided, single submitter. Criteria: LMM Criteria. Collection method: clinical testing. Allele origin: germline. Observed: 2 variant alleles.
Comment: The p.Asp126His variant in CASQ2 has not been reported in any other families wit h cardiomyopathy, but has been identified in 1/67530 European chromosomes by the Exome Aggregation Consortium (ExAC). Computatio nal prediction tools and conservation analysis do not provide strong support for or against an impact to the protein. In summary, the clinical significance of t he p.Asp126His variant is uncertain.